The following is an entry in ClinVar:

ClinVar aggregate classification (germline): Benign/Likely benign. Review status: criteria provided, multiple submitters, no conflicts (2 of 4 stars). 18 submissions from 15 submitters: Benign (12); Likely benign (4). 2 of the submissions do not count toward it. Last evaluated 2026-01-28.

Conditions:
Cardiomyopathy (CMYO). Also called: Cardiomyopathies. Identifiers: Orphanet 167848, MedGen C0878544, MONDO:0004994, HP:0001638. Inheritance: Various modes of inheritance.
Long QT syndrome (LQTS). Identifiers: MedGen C0023976, MeSH D008133, MONDO:0002442. Disease mechanism: loss of function. Inheritance: Various modes of inheritance.
Cardiovascular phenotype. Identifiers: MedGen CN230736.
Autosomal recessive limb-girdle muscular dystrophy type 2J (LGMDR10). Also called: Limb-girdle muscular dystrophy, type 2J; MUSCULAR DYSTROPHY, LIMB-GIRDLE, AUTOSOMAL RECESSIVE 10. Identifiers: Orphanet 140922, MedGen C1837342, MONDO:0012127, OMIM 608807.
Dilated cardiomyopathy 1G (CMD1G). Identifiers: Orphanet 154, MedGen C1858763, MONDO:0011400, OMIM 604145.
Early-onset myopathy with fatal cardiomyopathy (CMYO5). Also called: Salih Myopathy; CONGENITAL MYOPATHY 5 WITH CARDIOMYOPATHY. Identifiers: Orphanet 289377, MedGen C2673677, MONDO:0012714, OMIM 611705. Disease mechanism: loss of function.
Myopathy, myofibrillar, 9, with early respiratory failure (MFM9). Also called: Hereditary myopathy with early respiratory failure; EDSTROM MYOPATHY; MYOPATHY, PROXIMAL, WITH EARLY RESPIRATORY MUSCLE INVOLVEMENT; Myopathy, distal, with early respiratory failure, autosomal dominant. Identifiers: Orphanet 178464, Orphanet 34521, MedGen C1863599, MONDO:0011362, OMIM 603689.
Tibial muscular dystrophy (TMD). Also called: UDD MYOPATHY; Udd Distal Myopathy – Tibial Muscular Dystrophy; Tibial muscular dystrophy, tardive. Identifiers: Orphanet 609, MedGen C1838244, MONDO:0010870, OMIM 600334.

Allele frequency attached by ClinVar (database versions not stated): gnomAD exomes 0.00019 and 0.00060; ExAC 0.00071; 1000 Genomes Project 0.00160; 1000 Genomes Project 30x 0.00203; gnomAD 0.00249 and 0.00265; TOPMed 0.00283; ESP Exome Variant Server 0.00346.
gnomAD v4.1: 664 of 1,614,166 alleles (0.041%); highest among the groups gnomAD compares: African/African-American, 0.79%; 3 homozygotes.

Submissions (18):

Labcorp Genetics (formerly Invitae), Labcorp
Classification: Benign for Dilated cardiomyopathy 1G; Autosomal recessive limb-girdle muscular dystrophy type 2J. Last evaluated: 2026-01-28. Review status: criteria provided, single submitter. Criteria: Invitae Variant Classification Sherloc (09022015). Collection method: clinical testing. Allele origin: germline.

Molecular Diagnostic Laboratory for Inherited Cardiovascular Disease, Montreal Heart Institute
Classification: Benign. Last evaluated: 2025-04-09. Review status: criteria provided, single submitter. Criteria: ACMG Guidelines, 2015. Collection method: clinical testing. Allele origin: germline. Affected: no.

Blueprint Genetics
Classification: Likely benign. Last evaluated: 2024-11-13. Review status: criteria provided, single submitter. Criteria: ACMG Guidelines, 2015. Collection method: clinical testing. Allele origin: germline.

Genome-Nilou Lab
Classification: Benign for Autosomal recessive limb-girdle muscular dystrophy type 2J. Last evaluated: 2021-09-10. Review status: criteria provided, single submitter. Criteria: ACMG Guidelines, 2015. Collection method: clinical testing. Allele origin: germline. Affected: no.

Genome-Nilou Lab
Classification: Benign for Myopathy, myofibrillar, 9, with early respiratory failure. Last evaluated: 2021-09-10. Review status: criteria provided, single submitter. Criteria: ACMG Guidelines, 2015. Collection method: clinical testing. Allele origin: germline. Affected: no.

Genome-Nilou Lab
Classification: Benign for Early-onset myopathy with fatal cardiomyopathy. Last evaluated: 2021-09-10. Review status: criteria provided, single submitter. Criteria: ACMG Guidelines, 2015. Collection method: clinical testing. Allele origin: germline. Affected: no.

Genome-Nilou Lab
Classification: Benign for Tibial muscular dystrophy. Last evaluated: 2021-09-10. Review status: criteria provided, single submitter. Criteria: ACMG Guidelines, 2015. Collection method: clinical testing. Allele origin: germline. Affected: no.

GeneDx
Classification: Likely benign. Last evaluated: 2020-10-01. Review status: criteria provided, single submitter. Criteria: GeneDx Variant Classification Process June 2021. Collection method: clinical testing. Allele origin: germline. Affected: yes.
Comment: This variant is associated with the following publications: (PMID: 23861362, 22863191)

Women's Health and Genetics/Laboratory Corporation of America, LabCorp
Classification: Likely benign. Last evaluated: 2020-08-08. Review status: criteria provided, single submitter. Criteria: LabCorp Variant Classification Summary - May 2015. Collection method: clinical testing. Allele origin: germline.

Ambry Genetics
Classification: Benign for Cardiovascular phenotype. Last evaluated: 2019-09-19. Review status: criteria provided, single submitter. Criteria: Ambry Autosomal Dominant and X-Linked criteria (3/2017). Collection method: clinical testing. Allele origin: germline. Observed: 1 variant allele.
Comment: General population or subpopulation frequency is too high to be a pathogenic mutation based on disease/syndrome prevalence and penetrance

Center for Advanced Laboratory Medicine, UC San Diego Health, University of California San Diego
Classification: Benign for Cardiomyopathy; Long QT Syndrome. Last evaluated: 2019-06-03. Review status: criteria provided, single submitter. Criteria: ACMG Guidelines, 2015. Collection method: clinical testing. Allele origin: germline. Affected: yes. Observed: 2 variant alleles.

CHEO Genetics Diagnostic Laboratory, Children's Hospital of Eastern Ontario
Classification: Likely benign for Cardiomyopathy. Last evaluated: 2017-03-16. Review status: criteria provided, single submitter. Criteria: ACMG Guidelines, 2015. Collection method: clinical testing. Allele origin: germline. Study: Canadian Open Genetics Repository.

Athena Diagnostics
Classification: Benign. Last evaluated: 2017-01-24. Review status: criteria provided, single submitter. Criteria: Athena Diagnostics Criteria. Collection method: clinical testing. Allele origin: germline.

Eurofins Ntd Llc (ga)
Classification: Benign. Last evaluated: 2016-09-06. Review status: criteria provided, single submitter. Criteria: EGL Classification Definitions 2015. Collection method: clinical testing. Allele origin: germline. Observed: 5 variant alleles, 4 heterozygotes.

Biesecker Lab/Clinical Genomics Section, National Institutes of Health
Classification: Benign. Last evaluated: 2013-06-24. Review status: criteria provided, single submitter. Criteria: Ng et al. (Circ Cardiovasc Genet. 2013). Collection method: research. Allele origin: unknown. Observed: 2 variant alleles. Study: ClinSeq.
Comment: The study set was not selected for affection status in relation to any cancer. Pathogenicity categories were based on literature curation. See Pubmed ID:23861362 for details.

Medical sequencing

Laboratory for Molecular Medicine, Mass General Brigham Personalized Medicine
Classification: Benign. Last evaluated: 2012-03-19. Review status: criteria provided, single submitter. Criteria: LMM Criteria. Collection method: clinical testing. Allele origin: germline. Observed: 5 variant alleles.
Comment: p.Pro324Ser in Exon 07 of TTN: This variant is not expected to have clinical sig nificance because it has been identified in 1.1% (41/3738) of African American c hromosomes from a broad population by the NHLBI Exome Sequencing Project (dbSNP rs72647845).

Clinical Genetics DNA and cytogenetics Diagnostics Lab, Erasmus MC, Erasmus Medical Center
Classification: Benign. Review status: no assertion criteria provided. Collection method: clinical testing. Allele origin: germline. Affected: yes. Study: VKGL Data-share Consensus. Not counted in ClinVar's aggregate classification.

Clinical Genetics, Academic Medical Center
Classification: Benign. Review status: no assertion criteria provided. Collection method: clinical testing. Allele origin: germline. Affected: yes. Study: VKGL Data-share Consensus. Not counted in ClinVar's aggregate classification.

NM_001267550.2(TTN):c.970C>T (p.Pro324Ser)

Gene: TTN (titin; minus strand). Cytogenetic location: 2q31.2.
Variant type: single nucleotide variant.
Coding change: c.970C>T on transcript NM_001267550.2 (MANE Select); coding-DNA position 970, C replaced by T.
Protein change: p.Pro324Ser; replaces proline 324 with serine.
Molecular consequence: missense variant.
Genome position (GRCh38, 1-based): chr2:178,795,197, G>A on the plus strand (C>T on the coding strand, the complement: TTN is on the minus strand). VCF-style: chr2-178795197-G-A. GRCh37 (hg19) VCF-style: chr2-179659924-G-A.
Other names: p.P324S:CCA>TCA; c.970C>T, p.Pro324Ser (NM_003319.4, NM_133379.5, NM_133432.3 and 3 more transcripts); short protein forms P324S.
Identifiers: ClinVar variation 47678 (VCV000047678.33), dbSNP rs72647845, ClinGen allele CA141690.